The following is an entry in ClinVar:

NM_000492.4(CFTR):c.1609G>A (p.Asp537Asn)

Genes: CFTR (CF transmembrane conductance regulator; plus strand), LOC111674475 (CFTR intron 11 enhancer; plus strand). Cytogenetic location: 7q31.2.
Variant type: single nucleotide variant.
Coding change: c.1609G>A on transcript NM_000492.4 (MANE Select); coding-DNA position 1609, G replaced by A.
Protein change: p.Asp537Asn; replaces aspartic acid 537 with asparagine.
Molecular consequence: missense variant.
Genome position (GRCh38, 1-based): chr7:117,587,763, G>A. VCF-style: chr7-117587763-G-A. GRCh37 (hg19) VCF-style: chr7-117227817-G-A.
Other names: short protein forms D537N.
Identifiers: ClinVar variation 3336374 (VCV003336374.2).

ClinVar aggregate classification (germline): Conflicting classifications of pathogenicity. Review status: criteria provided, conflicting classifications (1 of 4 stars). 2 submissions from 2 submitters: Likely pathogenic (1); Uncertain significance (1). Last evaluated 2024-06-05.

Conditions:
Bronchiectasis with or without elevated sweat chloride 1 (BESC1). Also called: Cystic Fibrosis-Like Syndrome. Identifiers: Orphanet 60033, MedGen C2749757, MONDO:0008887, OMIM 211400.
Hereditary pancreatitis (PCTT). Also called: Hereditary chronic pancreatitis; PRSS1-Related Hereditary Pancreatitis. Identifiers: Orphanet 676, MedGen C0238339, MONDO:0008185, OMIM 167800.
Cystic fibrosis (CF). Also called: MUCOVISCIDOSIS. Identifiers: Orphanet 586, MedGen C0010674, MONDO:0009061, OMIM 219700. Disease mechanism: loss of function.
Congenital bilateral aplasia of vas deferens from CFTR mutation (CBAVD). Identifiers: Orphanet 48, MedGen C0403814, MONDO:0010178, OMIM 277180. Disease mechanism: loss of function.

Submissions (2):

Fulgent Genetics
Classification: Likely pathogenic for Hereditary pancreatitis; Bronchiectasis with or without elevated sweat chloride 1; Cystic fibrosis; Congenital bilateral aplasia of vas deferens from CFTR mutation. Last evaluated: 2024-06-05. Review status: criteria provided, single submitter. Criteria: ACMG Guidelines, 2015. Collection method: clinical testing. Allele origin: germline.

Women's Health and Genetics/Laboratory Corporation of America, LabCorp
Classification: Uncertain significance. Last evaluated: 2024-05-31. Review status: criteria provided, single submitter. Criteria: LabCorp Variant Classification Summary - May 2015. Collection method: clinical testing. Allele origin: germline.
Comment: Variant summary: CFTR c.1609G>A (p.Asp537Asn) results in a conservative amino acid change located in the ABC transporter-like, ATP-binding domain (IPR003439) of the encoded protein sequence. Four of five in-silico tools predict a damaging effect of the variant on protein function. The variant was absent in 250914 control chromosomes. c.1609G>A has been reported in the literature in trans with F508del in at least 2 individuals detected by newborn screening who are affected with elevated IRT and/or CFTR-Related Diseases per clinical follow-up (example, Hatton_2022, Sobczyska-Tomaszewska_2013). These data do not allow any conclusion about variant significance. At least one publication reports experimental evidence evaluating an impact on protein function. The most pronounced in vitro variant effect results in 10%-<30% of normal CFTR activity, however decreased protein expression was also observed (example, Hatton_2022). The following publications have been ascertained in the context of this evaluation (PMID: 34949556, 22892530). No submitters have cited clinical-significance assessments for this variant to ClinVar. Based on the evidence outlined above, the variant was classified as VUS-possibly pathogenic.

Literature cited by the submitters: PubMed 22892530 (cited by Women's Health and Genetics/Laboratory Corporation of America, LabCorp); PubMed 34949556 (cited by Women's Health and Genetics/Laboratory Corporation of America, LabCorp).